The following is an entry in ClinVar:

NM_000038.6(APC):c.1350G>C (p.Val450=)

Gene: APC (APC regulator of Wnt signaling pathway; plus strand). Cytogenetic location: 5q22.2.
Variant type: single nucleotide variant.
Coding change: c.1350G>C on transcript NM_000038.6 (MANE Select); coding-DNA position 1350, G replaced by C.
Protein change: p.Val450=; no amino-acid change (valine 450 retained).
Molecular consequence: synonymous variant. On other transcripts: non-coding transcript variant (2).
Genome position (GRCh38, 1-based): chr5:112,821,933, G>C. VCF-style: chr5-112821933-G-C. GRCh37 (hg19) VCF-style: chr5-112157630-G-C.
Other names: c.1350G>C, p.Val450= (NM_001127510.3, NM_001354895.2, NM_001354896.2 and 4 more transcripts); c.1296G>C, p.Val432= (NM_001127511.3); c.1380G>C, p.Val460= (NM_001354897.2, NM_001407446.1); c.1275G>C, p.Val425= (NM_001354898.2, NM_001407451.1); c.1266G>C, p.Val422= (NM_001354899.2, NM_001407452.1); c.1173G>C, p.Val391= (NM_001354900.2, NM_001354901.2, NM_001407453.1); c.1077G>C, p.Val359= (NM_001354902.2); c.1047G>C, p.Val349= (NM_001354903.2, NM_001407454.1, NM_001407455.1 and 5 more transcripts); and 5 more.
Identifiers: ClinVar variation 2756437 (VCV002756437.4), dbSNP rs1554080701, ClinGen allele CA445755855.

ClinVar aggregate classification (germline): Benign/Likely benign. Review status: criteria provided, multiple submitters, no conflicts (2 of 4 stars). 2 submissions from 2 submitters: Benign (1); Likely benign (1). Last evaluated 2025-09-13.

Conditions:
Familial adenomatous polyposis 1 (FAP1). Also called: POLYPOSIS, ADENOMATOUS INTESTINAL; FAMILIAL ADENOMATOUS POLYPOSIS 1, ATTENUATED. Identifiers: MedGen C2713442, MONDO:0021056, OMIM 175100. Disease mechanism: loss of function.

Submissions (2):

Labcorp Genetics (formerly Invitae), Labcorp
Classification: Likely benign for Familial adenomatous polyposis 1. Last evaluated: 2025-09-13. Review status: criteria provided, single submitter. Criteria: Invitae Variant Classification Sherloc (09022015). Collection method: clinical testing. Allele origin: germline.

Myriad Genetics, Inc.
Classification: Benign for Familial adenomatous polyposis 1. Last evaluated: 2024-03-01. Review status: criteria provided, single submitter. Criteria: Myriad Autosomal Dominant, Autosomal Recessive and X-Linked Classification Criteria (2023). Collection method: clinical testing. Allele origin: unknown.
Comment: This variant is considered benign. This variant is a silent/synonymous amino acid change and it is not expected to impact splicing.